The following is an entry in ClinVar:

NM_002667.5(PLN):c.61C>T (p.Pro21Ser)

Genes: PLN (phospholamban; plus strand), CEP85L (centrosomal protein 85L; minus strand). Cytogenetic location: 6q22.31.
Variant type: single nucleotide variant.
Coding change: c.61C>T on transcript NM_002667.5 (MANE Select); coding-DNA position 61, C replaced by T.
Protein change: p.Pro21Ser; replaces proline 21 with serine.
Molecular consequence: missense variant. On other transcripts: intron variant (3).
Genome position (GRCh38, 1-based): chr6:118,558,982, C>T. VCF-style: chr6-118558982-C-T. GRCh37 (hg19) VCF-style: chr6-118880145-C-T.
Other names: c.1029+6547G>A (NM_001178035.2); c.1020+6547G>A (NM_001042475.3, NM_206921.3); short protein forms P21S.
Identifiers: ClinVar variation 1029623 (VCV001029623.2), dbSNP rs397516786, ClinGen allele CA365546219.

ClinVar aggregate classification (germline): Uncertain significance. Review status: criteria provided, multiple submitters, no conflicts (2 of 4 stars). 2 submissions from 2 submitters: Uncertain significance (2). Last evaluated 2025-06-12.

Conditions:
Dilated cardiomyopathy 1P (CMD1P). Identifiers: Orphanet 154, MedGen C1835928, MONDO:0012362, OMIM 609909.
Hypertrophic cardiomyopathy 18. Identifiers: MedGen C3151265, MONDO:0013475, OMIM 613874.

gnomAD v4.1: 1 of 1,611,702 alleles (0.000062%); highest among the groups gnomAD compares: Non-Finnish European, 0.000085%; no homozygotes.

Submissions (2):

Labcorp Genetics (formerly Invitae), Labcorp
Classification: Uncertain significance for Dilated cardiomyopathy 1P. Last evaluated: 2025-06-12. Review status: criteria provided, single submitter. Criteria: Invitae Variant Classification Sherloc (09022015). Collection method: clinical testing. Allele origin: germline.
Comment: This sequence change replaces proline, which is neutral and non-polar, with serine, which is neutral and polar, at codon 21 of the PLN protein (p.Pro21Ser). This variant is not present in population databases (gnomAD no frequency). This variant has not been reported in the literature in individuals affected with PLN-related conditions. ClinVar contains an entry for this variant (Variation ID: 1029623). An algorithm developed to predict the effect of missense changes on protein structure and function (PolyPhen-2) suggests that this variant is likely to be disruptive. In summary, the available evidence is currently insufficient to determine the role of this variant in disease. Therefore, it has been classified as a Variant of Uncertain Significance.

Baylor Genetics
Classification: Uncertain significance for Hypertrophic cardiomyopathy 18. Last evaluated: 2019-02-14. Review status: criteria provided, single submitter. Criteria: ACMG Guidelines, 2015. Collection method: clinical testing. Allele origin: paternal. Affected: yes.
Comment: This variant was determined to be of uncertain significance according to ACMG Guidelines, 2015 [PMID:25741868].